The following is an entry in ClinVar:

ClinVar aggregate classification (germline): Uncertain significance (1 of 4 stars; one submission).

gnomAD v4.1: 104 of 1,593,328 alleles (0.0065%); highest among the groups gnomAD compares: African/African-American, 0.12%; no homozygotes.

Submission:

Dasa
Classification: Uncertain significance. Last evaluated: 2025-03-11. Review status: criteria provided, single submitter. Criteria: DASA Assertion Criteria. Collection method: clinical testing. Allele origin: germline.
Comment: NM_003086.4(SNAPC4):c.1325+8G>C is a splice-region variant. This variant is rare in population databases. Computational prediction algorithms are consistent with a benign effect. The currently available literature and clinical evidence are not sufficient to establish a definitive association between this variant and the reported condition. Therefore, this variant is classified as a variant of uncertain significance.

NM_003086.4(SNAPC4):c.1325+8G>C

Gene: SNAPC4 (small nuclear RNA activating complex polypeptide 4; minus strand). Cytogenetic location: 9q34.3.
Variant type: single nucleotide variant.
Coding change: c.1325+8G>C on transcript NM_003086.4 (MANE Select); 8 bases into the intron after coding-DNA position 1325, G replaced by C.
Molecular consequence: intron variant.
Genome position (GRCh38, 1-based): chr9:136,387,477, C>G on the plus strand (G>C on the coding strand, the complement: SNAPC4 is on the minus strand). VCF-style: chr9-136387477-C-G. GRCh37 (hg19) VCF-style: chr9-139281929-C-G.
Other names: c.1325+8G>C (NM_001394203.1, NM_001394202.1, NM_001394201.1).
Identifiers: ClinVar variation 4885098 (VCV004885098.2).